The following is an entry in ClinVar:

ClinVar aggregate classification (germline): Uncertain significance (1 of 4 stars; one submission).

Allele frequency attached by ClinVar (database versions not stated): ExAC 0.00001; gnomAD exomes 0.00001 and 0.00002; TOPMed 0.00001.
gnomAD v4.1: 3 of 1,614,082 alleles (0.00019%); highest among the groups gnomAD compares: Admixed American, 0.005%; no homozygotes.

Submission:

Labcorp Genetics (formerly Invitae), Labcorp
Classification: Uncertain significance. Last evaluated: 2022-09-28. Review status: criteria provided, single submitter. Criteria: Invitae Variant Classification Sherloc (09022015). Collection method: clinical testing. Allele origin: germline.
Comment: This sequence change replaces serine, which is neutral and polar, with threonine, which is neutral and polar, at codon 900 of the FUK protein (p.Ser900Thr). In summary, the available evidence is currently insufficient to determine the role of this variant in disease. Therefore, it has been classified as a Variant of Uncertain Significance. Algorithms developed to predict the effect of missense changes on protein structure and function are either unavailable or do not agree on the potential impact of this missense change (SIFT: "Tolerated"; PolyPhen-2: "Possibly Damaging"; Align-GVGD: "Class C0"). ClinVar contains an entry for this variant (Variation ID: 1682398). This variant has not been reported in the literature in individuals affected with FUK-related conditions. This variant is present in population databases (rs765401214, gnomAD 0.009%).

NM_145059.3(FCSK):c.2698T>A (p.Ser900Thr)

Gene: FCSK (fucose kinase; plus strand). Cytogenetic location: 16q22.1.
Variant type: single nucleotide variant.
Coding change: c.2698T>A on transcript NM_145059.3 (MANE Select); coding-DNA position 2698, T replaced by A.
Protein change: p.Ser900Thr; replaces serine 900 with threonine.
Molecular consequence: missense variant.
Genome position (GRCh38, 1-based): chr16:70,478,328, T>A. VCF-style: chr16-70478328-T-A. GRCh37 (hg19) VCF-style: chr16-70512231-T-A.
Other names: short protein forms S900T.
Identifiers: ClinVar variation 1682398 (VCV001682398.6), dbSNP rs765401214, ClinGen allele CA8143709.